The following is an entry in ClinVar:

ClinVar aggregate classification (germline): Conflicting classifications of pathogenicity. Review status: criteria provided, conflicting classifications (1 of 4 stars). 3 submissions from 3 submitters: Likely pathogenic (1); Uncertain significance (2). Last evaluated 2025-10-27.

Conditions:
Wilson disease (WND). Also called: Wilson's disease. Identifiers: Orphanet 905, MedGen C0019202, MONDO:0010200, OMIM 277900. Disease mechanism: loss of function.

Allele frequency attached by ClinVar (database versions not stated): TOPMed below 0.00001.

Submissions (3):

Labcorp Genetics (formerly Invitae), Labcorp
Classification: Uncertain significance for Wilson disease. Last evaluated: 2025-10-27. Review status: criteria provided, single submitter. Criteria: Invitae Variant Classification Sherloc (09022015). Collection method: clinical testing. Allele origin: germline.
Comment: This sequence change replaces aspartic acid, which is acidic and polar, with glycine, which is neutral and non-polar, at codon 1296 of the ATP7B protein (p.Asp1296Gly). This variant is not present in population databases (gnomAD no frequency). This variant has not been reported in the literature in individuals affected with ATP7B-related conditions. ClinVar contains an entry for this variant (Variation ID: 802993). Invitae Evidence Modeling of protein sequence and biophysical properties (such as structural, functional, and spatial information, amino acid conservation, physicochemical variation, residue mobility, and thermodynamic stability) indicates that this missense variant is not expected to disrupt ATP7B protein function with a negative predictive value of 80%. This variant disrupts the p.Asp1296 amino acid residue in ATP7B. Other variant(s) that disrupt this residue have been determined to be pathogenic (PMID: 11954751, 12032531, 18424137, 21707886, 32618023). This suggests that this residue is clinically significant, and that variants that disrupt this residue are likely to be disease-causing. In summary, the available evidence is currently insufficient to determine the role of this variant in disease. Therefore, it has been classified as a Variant of Uncertain Significance.

All of Us Research Program, National Institutes of Health
Classification: Uncertain significance for Wilson disease. Last evaluated: 2023-10-06. Review status: criteria provided, single submitter. Criteria: ACMG Guidelines, 2015. Collection method: clinical testing. Allele origin: germline. Inheritance: Autosomal recessive inheritance. Observed: 1 variant allele, 1 heterozygote.
Comment: This missense variant replaces aspartic acid with glycine at codon 1296 of the ATP7B protein. Computational prediction suggests that this variant may have deleterious impact on protein structure and function (internally defined REVEL score threshold >= 0.7, PMID: 27666373). Although functional studies have not been reported for this variant, it alters a conserved aspartic acid residue in the phosphorylation domain of the ATP7B protein (a.a. 1004 - 1031, 1197 - 1312), a highly conserved region that is considered to be important for ATP7B protein function (PMID: 35245129; ClinVar). This variant has not been reported in individuals affected with ATP7B-related disorders in the literature. This variant has not been identified in the general population by the Genome Aggregation Database (gnomAD). The available evidence is insufficient to determine the role of this variant in disease conclusively. Therefore, this variant is classified as a Variant of Uncertain Significance.

This study involves interpretation of variants in research participants for the purpose of population health screening. Participant phenotype was not available at the time of variant classification. Additional details can be found in publication PMID: 35346344, PMCID: PMC8962531

Mendelics
Classification: Likely pathogenic for Wilson disease. Last evaluated: 2019-05-28. Review status: criteria provided, single submitter. Criteria: Mendelics Assertion Criteria 2017. Collection method: clinical testing. Allele origin: unknown.

Literature cited by the submitters: PubMed 11954751 (cited by Labcorp Genetics (formerly Invitae), Labcorp); PubMed 12032531 (cited by Labcorp Genetics (formerly Invitae), Labcorp); PubMed 18424137 (cited by Labcorp Genetics (formerly Invitae), Labcorp); PubMed 21707886 (cited by Labcorp Genetics (formerly Invitae), Labcorp); PubMed 32618023 (cited by Labcorp Genetics (formerly Invitae), Labcorp); PubMed 35245129 (cited by All of Us Research Program, National Institutes of Health).

NM_000053.4(ATP7B):c.3887A>G (p.Asp1296Gly)

Gene: ATP7B (ATPase copper transporting beta; minus strand). Cytogenetic location: 13q14.3.
Variant type: single nucleotide variant.
Coding change: c.3887A>G on transcript NM_000053.4 (MANE Select); coding-DNA position 3887, A replaced by G.
Protein change: p.Asp1296Gly; replaces aspartic acid 1296 with glycine.
Molecular consequence: missense variant.
Genome position (GRCh38, 1-based): chr13:51,937,492, T>C on the plus strand (A>G on the coding strand, the complement: ATP7B is on the minus strand). VCF-style: chr13-51937492-T-C. GRCh37 (hg19) VCF-style: chr13-52511628-T-C.
Other names: c.3266A>G, p.Asp1089Gly (NM_001005918.3); c.3554A>G, p.Asp1185Gly (NM_001243182.2); c.3653A>G, p.Asp1218Gly (NM_001330578.2); c.3635A>G, p.Asp1212Gly (NM_001330579.2); short protein forms D1089G, D1296G, D1212G, D1185G, D1218G.
Identifiers: ClinVar variation 802993 (VCV000802993.3), dbSNP rs1593645393, ClinGen allele CA388021427.